The following is an entry in ClinVar:

NM_004304.5(ALK):c.2633-5C>T

Gene: ALK (ALK receptor tyrosine kinase; minus strand). Cytogenetic location: 2p23.2.
Variant type: single nucleotide variant.
Coding change: c.2633-5C>T on transcript NM_004304.5 (MANE Select); 5 bases into the intron before coding-DNA position 2633, C replaced by T.
Molecular consequence: intron variant.
Genome position (GRCh38, 1-based): chr2:29,229,071, G>A on the plus strand (C>T on the coding strand, the complement: ALK is on the minus strand). VCF-style: chr2-29229071-G-A. GRCh37 (hg19) VCF-style: chr2-29451937-G-A.
Other names: c.2633-5C>T (NM_004304.4).
Identifiers: ClinVar variation 1157785 (VCV001157785.11), dbSNP rs773644242, ClinGen allele CA44635430.

ClinVar aggregate classification (germline): Conflicting classifications of pathogenicity. Review status: criteria provided, conflicting classifications (1 of 4 stars). 3 submissions from 3 submitters: Uncertain significance (1); Likely benign (2). Last evaluated 2025-11-05.

Conditions:
Hereditary cancer-predisposing syndrome. Also called: Neoplastic Syndromes, Hereditary; Hereditary Cancer Syndrome; Tumor predisposition; Hereditary neoplastic syndrome. Identifiers: Orphanet 140162, MedGen C0027672, MeSH D009386, MONDO:0015356.
Neuroblastoma, susceptibility to, 3. Also called: ALK-Related Neuroblastic Tumor Susceptibility. Identifiers: Orphanet 635, MedGen C2751681, MONDO:0013083, OMIM 613014.

gnomAD v4.1: 14 of 1,613,666 alleles (0.00087%); highest among the groups gnomAD compares: East Asian, 0.0045%; no homozygotes.

Submissions (3):

Labcorp Genetics (formerly Invitae), Labcorp
Classification: Likely benign for Neuroblastoma, susceptibility to, 3. Last evaluated: 2025-11-05. Review status: criteria provided, single submitter. Criteria: Invitae Variant Classification Sherloc (09022015). Collection method: clinical testing. Allele origin: germline.

Ambry Genetics
Classification: Uncertain significance for Hereditary cancer-predisposing syndrome. Last evaluated: 2025-01-06. Review status: criteria provided, single submitter. Criteria: Ambry Variant Classification Scheme 2023. Collection method: clinical testing. Allele origin: germline.
Comment: The c.2633-5C>T intronic variant results from a C to T substitution 5 nucleotides upstream from coding exon 16 in the ALK gene. This nucleotide position is not well conserved in available vertebrate species. In silico splice site analysis predicts that this alteration will not have any significant effect on splicing. Based on the available evidence, the clinical significance of this variant remains unclear.

Blueprint Genetics
Classification: Likely benign. Last evaluated: 2024-02-16. Review status: criteria provided, single submitter. Criteria: ACMG Guidelines, 2015. Collection method: clinical testing. Allele origin: germline.